The following is an entry in ClinVar:

ClinVar aggregate classification (germline): Pathogenic (1 of 4 stars; one submission).

Conditions:
Shwachman-Diamond syndrome 1 (SDS1). Also called: LIPOMATOSIS OF PANCREAS, CONGENITAL. Identifiers: MedGen C4692625, MONDO:0044204, OMIM 260400.

gnomAD v4.1: 1 of 1,613,584 alleles (0.000062%); highest among the groups gnomAD compares: Non-Finnish European, 0.000085%; no homozygotes.

Submission:

Broad Center for Mendelian Genomics, Broad Institute of MIT and Harvard
Classification: Pathogenic for Shwachman-Diamond syndrome 1. Last evaluated: 2025-02-07. Review status: criteria provided, single submitter. Criteria: ACMG Guidelines, 2015. Collection method: curation. Allele origin: germline. Inheritance: Autosomal recessive inheritance.
Comment: The c.129-2A>G variant in SBDS has been reported in 2 individuals with Shwachman-Diamond syndrome (PMID: 22491737, 26997321), and has been identified in0.00008% (1/1179638) of European non-Finnish chromosomes by the Genome Aggregation Database (gnomAD; dbSNP rs775057252). Although this variant has been seen in the general population in a heterozygous state, its frequency is low enough to be consistent with a recessive carrier frequency. The presence of a known pseudogene, SBDSP1, can impact the reliability of allele frequencies. Of the 2 affected individuals, both were compound heterozygotes that carried a reported pathogenic variant with unknown phase, which increases the likelihood that the c.129-2A>G variant is pathogenic (Variation ID: 3196; PMID: 22491737, 26997321). This variant is located in the 3' splice region. SpliceAI predictions indicate use of an out-of-frame cryptic splice site 1 base from the intron-exon boundary, providing evidence that this variant may cause a frameshift and lead to a premature termination codon downstream. This alteration is then predicted to lead to a truncated or absent protein. However, this information is not predictive enough to determine pathogenicity. Loss of function of the SBDS gene is an established disease mechanism in autosomal recessive Shwachman-Diamond syndrome. In summary, this variant meets criteria to be classified as pathogenic for autosomal recessive Shwachman-Diamond syndrome. ACMG/AMP Criteria applied: PVS1, PM3, PM2_supporting (Richards 2015).

NM_016038.4(SBDS):c.129-2A>G

Gene: SBDS (SBDS ribosome maturation factor; minus strand). Cytogenetic location: 7q11.21.
Variant type: single nucleotide variant.
Coding change: c.129-2A>G on transcript NM_016038.4 (MANE Select); the canonical splice acceptor site of the intron before coding-DNA position 129, A replaced by G.
Molecular consequence: splice acceptor variant.
Genome position (GRCh38, 1-based): chr7:66,994,343, T>C on the plus strand (A>G on the coding strand, the complement: SBDS is on the minus strand). VCF-style: chr7-66994343-T-C. GRCh37 (hg19) VCF-style: chr7-66459330-T-C.
Other names: NM_016038.4:c.129-2A>G.
Identifiers: ClinVar variation 3776902 (VCV003776902.1).